The following is an entry in ClinVar:

NM_004369.4(COL6A3):c.3668T>C (p.Leu1223Pro)

Gene: COL6A3 (collagen type VI alpha 3 chain; minus strand). Cytogenetic location: 2q37.3.
Variant type: single nucleotide variant.
Coding change: c.3668T>C on transcript NM_004369.4 (MANE Select); coding-DNA position 3668, T replaced by C.
Protein change: p.Leu1223Pro; replaces leucine 1223 with proline.
Molecular consequence: missense variant.
Genome position (GRCh38, 1-based): chr2:237,374,423, A>G on the plus strand (T>C on the coding strand, the complement: COL6A3 is on the minus strand). VCF-style: chr2-237374423-A-G. GRCh37 (hg19) VCF-style: chr2-238283066-A-G.
Other names: c.2447T>C, p.Leu816Pro (NM_057164.5); c.3050T>C, p.Leu1017Pro (NM_057165.5, NM_057167.4); c.1847T>C, p.Leu616Pro (NM_057166.5); short protein forms L1223P, L1017P, L616P, L816P.
Identifiers: ClinVar variation 425260 (VCV000425260.40), dbSNP rs772944531, ClinGen allele CA2189121.

ClinVar aggregate classification (germline): Conflicting classifications of pathogenicity. Review status: criteria provided, conflicting classifications (1 of 4 stars). 7 submissions from 7 submitters: Uncertain significance (3); Likely benign (4). Last evaluated 2025-10-22.

Conditions:
Inborn genetic diseases. Identifiers: MedGen C0950123, MeSH D030342.
Bethlem myopathy 1A. Also called: Bethlem myopathy 1; Bethlem Muscular Dystrophy; MYOPATHY, BENIGN CONGENITAL, WITH CONTRACTURES. Identifiers: Orphanet 610, MedGen CN029274, MONDO:0024530, OMIM 158810.

Allele frequency attached by ClinVar (database versions not stated): gnomAD 0.00001; gnomAD exomes 0.00001; TOPMed 0.00002; ExAC 0.00003.
gnomAD v4.1: 28 of 1,613,020 alleles (0.0017%); highest among the groups gnomAD compares: Middle Eastern, 0.033%; no homozygotes.

Submissions (7):

Labcorp Genetics (formerly Invitae), Labcorp
Classification: Likely benign for Bethlem myopathy 1A. Last evaluated: 2025-10-22. Review status: criteria provided, single submitter. Criteria: Invitae Variant Classification Sherloc (09022015). Collection method: clinical testing. Allele origin: germline.

Revvity Omics, Revvity
Classification: Uncertain significance. Last evaluated: 2025-07-23. Review status: criteria provided, single submitter. Criteria: ACMG Guidelines, 2015. Collection method: clinical testing. Allele origin: germline.

Ambry Genetics
Classification: Likely benign for Inborn genetic diseases. Last evaluated: 2024-09-25. Review status: criteria provided, single submitter. Criteria: Ambry Variant Classification Scheme 2023. Collection method: clinical testing. Allele origin: germline.

Blueprint Genetics
Classification: Likely benign. Last evaluated: 2024-09-23. Review status: criteria provided, single submitter. Criteria: ACMG Guidelines, 2015. Collection method: clinical testing. Allele origin: germline.

CeGaT Center for Human Genetics Tuebingen
Classification: Uncertain significance. Last evaluated: 2023-11-01. Review status: criteria provided, single submitter. Criteria: CeGaT Center For Human Genetics Tuebingen Variant Classification Criteria Version 2. Collection method: clinical testing. Allele origin: germline. Affected: yes. Observed: 2 variant alleles.
Comment: COL6A3: PM2, BP4

GeneDx
Classification: Uncertain significance. Last evaluated: 2022-10-18. Review status: criteria provided, single submitter. Criteria: GeneDx Variant Classification Process June 2021. Collection method: clinical testing. Allele origin: germline. Affected: yes.
Comment: Not observed at significant frequency in large population cohorts (gnomAD); In silico analysis supports that this missense variant does not alter protein structure/function; Has not been previously published as pathogenic or benign to our knowledge

Dubai Health Genomic Medicine Center, Dubai Health
Classification: Likely benign. Last evaluated: 2019-12-15. Review status: criteria provided, single submitter. Criteria: ACMG Guidelines, 2015. Collection method: clinical testing. Allele origin: germline. Affected: yes.